The following is an entry in ClinVar:

NM_000271.5(NPC1):c.721C>T (p.Gln241Ter)

Gene: NPC1 (NPC intracellular cholesterol transporter 1; minus strand). Cytogenetic location: 18q11.2.
Variant type: single nucleotide variant.
Coding change: c.721C>T on transcript NM_000271.5 (MANE Select); coding-DNA position 721, C replaced by T.
Protein change: p.Gln241Ter; replaces glutamine 241 with a stop codon.
Molecular consequence: nonsense.
Genome position (GRCh38, 1-based): chr18:23,560,391, G>A on the plus strand (C>T on the coding strand, the complement: NPC1 is on the minus strand). VCF-style: chr18-23560391-G-A. GRCh37 (hg19) VCF-style: chr18-21140355-G-A.
Other names: short protein forms Q241*.
Identifiers: ClinVar variation 422340 (VCV000422340.10), dbSNP rs1064795718, ClinGen allele CA16620670.
Genomic context (GRCh38, chr18:23,560,391, plus strand): 5'-TCCAGGGAGCAGGAGGAGGTGGGGGCTGGGGCTTGGGGCCACAGACAATAGAGCAGTCTT[G>A]GCAGCTACATGGTGCTGTGACCTCATCCACAGACTCGTCACAGCCTTTGGTGGCATTGTT-3'

ClinVar aggregate classification (germline): Pathogenic/Likely pathogenic. Review status: criteria provided, multiple submitters, no conflicts (2 of 4 stars). 4 submissions from 4 submitters: Pathogenic (2); Likely pathogenic (2). Last evaluated 2024-09-17.

Conditions:
Niemann-Pick disease, type C1. Also called: NIEMANN-PICK DISEASE, VARIANT TYPE C1; NEUROVISCERAL STORAGE DISEASE WITH VERTICAL SUPRANUCLEAR OPHTHALMOPLEGIA; NIEMANN-PICK DISEASE WITH CHOLESTEROL ESTERIFICATION BLOCK; NIEMANN-PICK DISEASE WITHOUT SPHINGOMYELINASE DEFICIENCY; NIEMANN-PICK DISEASE, CHRONIC NEURONOPATHIC FORM. Identifiers: Orphanet 646, MedGen C3179455, MONDO:0009757, OMIM 257220.

Allele frequency attached by ClinVar (database versions not stated): gnomAD exomes 0.00001.

Submissions (4):

Natera, Inc.
Classification: Likely pathogenic for Niemann-Pick disease type C1. Last evaluated: 2024-09-17. Review status: criteria provided, single submitter. Criteria: Natera Variant Classification Schema (03/2026). Collection method: clinical testing. Allele origin: germline.
Comment: The c.721C>T variant in NPC1 is a nonsense variant predicted to introduce a stop codon at amino acid 241. This variant may result in a truncated or dysfunctional protein product. This variant is rare in the general population with a frequency below the threshold expected for the associated phenotype(s). Given the available evidence, this variant is classified as Likely Pathogenic.

Labcorp Genetics (formerly Invitae), Labcorp
Classification: Pathogenic for Niemann-Pick disease, type C1. Last evaluated: 2023-09-08. Review status: criteria provided, single submitter. Criteria: Invitae Variant Classification Sherloc (09022015). Collection method: clinical testing. Allele origin: germline.
Comment: For these reasons, this variant has been classified as Pathogenic. ClinVar contains an entry for this variant (Variation ID: 422340). This variant has not been reported in the literature in individuals affected with NPC1-related conditions. This variant is not present in population databases (gnomAD no frequency). This sequence change creates a premature translational stop signal (p.Gln241*) in the NPC1 gene. It is expected to result in an absent or disrupted protein product. Loss-of-function variants in NPC1 are known to be pathogenic (PMID: 9211850).

Victorian Clinical Genetics Services, Murdoch Childrens Research Institute
Classification: Pathogenic for Niemann-Pick disease, type C1. Last evaluated: 2023-07-16. Review status: criteria provided, single submitter. Criteria: ACMG Guidelines, 2015. Collection method: clinical testing. Allele origin: germline. Inheritance: Autosomal recessive inheritance. Affected: no.
Comment: Based on the classification scheme VCGS_Germline_v1.3.4, this variant is classified as Pathogenic. Following criteria are met: 0102 - Loss of function is a known mechanism of disease in this gene and is associated with type C1 Niemann-Pick disease (MIM#257220) and type D Niemann-Pick disease (MIM#257220). (I) 0106 - This gene is associated with autosomal recessive disease. (I) 0115 - Variants in this gene are known to have variable expressivity. Phenotypic variability has been observed amongst individuals carrying the same pathogenic variant (PMID: 32138288. (I) 0201 - Variant is predicted to cause nonsense-mediated decay (NMD) and loss of protein (premature termination codon is located at least 54 nucleotides upstream of the final exon-exon junction). (SP) 0251 - This variant is heterozygous. (I) 0301 - Variant is absent from gnomAD (both v2 and v3). (SP) 0701 - Other null variants comparable to the one identified in this case have very strong previous evidence for pathogenicity. There are at least ten NMD-predicted variants that have been classified as likely pathogenic or pathogenic (DECIPHER). (SP) 0803 - This variant has limited previous evidence of pathogenicity in unrelated individual. This variant has been classified as likely pathogenic and pathogenic by two clinical diagnostic laboratories (ClinVar). (SP) 0905 - No published segregation evidence has been identified for this variant. (I) 1007 - No published functional evidence has been identified for this variant. (I) 1208 - Inheritance information for this variant is not currently available in this individual. (I) Legend: (SP) - Supporting pathogenic, (I) - Information, (SB) - Supporting benign

GeneDx
Classification: Likely pathogenic. Last evaluated: 2016-10-25. Review status: criteria provided, single submitter. Criteria: GeneDx Variant Classification (06012015). Collection method: clinical testing. Allele origin: germline. Affected: yes.
Comment: The Q241X variant in the NPC1 gene has not been reported previously as a pathogenic variant nor as a benign variant, to our knowledge. This variant is predicted to cause loss of normal protein function either through protein truncation or nonsense-mediated mRNA decay. The Q241X variant was not observed in approximately 6500 individuals of European and African American ancestry in the NHLBI Exome Sequencing Project, indicating it is not a common benign variant in these populations. We interpret Q241X as a likely pathogenic variant.

Literature cited by the submitters: PubMed 9211850 (cited by Labcorp Genetics (formerly Invitae), Labcorp); PubMed 32138288 (cited by Victorian Clinical Genetics Services, Murdoch Childrens Research Institute).